The following is an entry in ClinVar:

NC_000023.11:g.38352582C>T

Gene: OTC (ornithine transcarbamylase; plus strand). Cytogenetic location: Xp11.4.
Variant type: single nucleotide variant.
Genome position: GRCh38 VCF-style: chrX-38352582-C-T. GRCh37 (hg19) VCF-style: chrX-38211835-C-T.
Identifiers: ClinVar variation 487344 (VCV000487344.3), dbSNP rs1555971008, ClinGen allele CA658799701.
Genomic context (GRCh38, chrX:38,352,582, plus strand): 5'-CCTGCCCTGCAGTATCTCTAACCAGGGGACTTTGATAAGGAAGCTGAAGGGTGATATTAC[C>T]TTTGCTCCCTCACTGCAACTGAACACATTTCTTAGTTTTTAGGTGGCCCCCGCTGGCTAA-3'

ClinVar aggregate classification (germline): Uncertain significance. Review status: criteria provided, single submitter (1 of 4 stars). 2 submissions from 2 submitters: Uncertain significance (1). 1 of the submissions does not count toward it. Last evaluated 2023-05-31.

Conditions:
Ornithine carbamoyltransferase deficiency (OTCD). Also called: ORNITHINE TRANSCARBAMYLASE DEFICIENCY; ORNITHINE TRANSCARBAMYLASE DEFICIENCY, HYPERAMMONEMIA DUE TO; OTC DEFICIENCY; Ornithine Carbamoyltransferase Deficiency Disease. Identifiers: Orphanet 664, MedGen C0268542, MONDO:0010703, OMIM 311250.

Submissions (2):

All of Us Research Program, National Institutes of Health
Classification: Uncertain significance for Ornithine carbamoyltransferase deficiency. Last evaluated: 2023-05-31. Review status: criteria provided, single submitter. Criteria: ACMG Guidelines, 2015. Collection method: clinical testing. Allele origin: germline. Inheritance: X-linked inheritance. Observed: 1 variant allele, 1 heterozygote.
Comment: This study involves interpretation of variants in research participants for the purpose of population health screening. Participant phenotype was not available at the time of variant classification. Additional details can be found in publication PMID: 35346344, PMCID: PMC8962531

Caldovic Lab, Children's National Health System
Classification: Likely pathogenic for Ornithine carbamoyltransferase deficiency. Last evaluated: 2017-12-12. Review status: no assertion criteria provided. Collection method: research. Allele origin: unknown, not applicable. Inheritance: X-linked recessive inheritance. Affected: yes. Not counted in ClinVar's aggregate classification.
Comment: Functional testing in cultured cells indicates reduced expression of reporter gene.

Literature cited by the submitters: PubMed 29282796 (cited by Caldovic Lab, Children's National Health System).